The following is an entry in ClinVar:

ClinVar aggregate classification (germline): Uncertain significance (1 of 4 stars; one submission).

Conditions:
Cardiac arrhythmia. Also called: Cardiac rhythm disease; Arrhythmia. Identifiers: MedGen C0003811, MONDO:0007263, HP:0011675.

gnomAD v4.1: 3 of 1,614,156 alleles (0.00019%); highest among the groups gnomAD compares: South Asian, 0.0011%; no homozygotes.

Submission:

Clinical Genetics Laboratory, Skane University Hospital Lund
Classification: Uncertain significance for Cardiac arrhythmia. Last evaluated: 2024-07-25. Review status: criteria provided, single submitter. Criteria: ACMG Guidelines, 2015. Collection method: clinical testing. Allele origin: germline. Affected: yes.
Comment: PM2, PP3

NM_005070.4(SLC4A3):c.1603C>T (p.Arg535Cys)

Gene: SLC4A3 (solute carrier family 4 member 3; plus strand). Cytogenetic location: 2q35.
Variant type: single nucleotide variant.
Coding change: c.1603C>T on transcript NM_005070.4 (MANE Select); coding-DNA position 1603, C replaced by T.
Protein change: p.Arg535Cys; replaces arginine 535 with cysteine.
Molecular consequence: missense variant. On other transcripts: non-coding transcript variant (1).
Genome position (GRCh38, 1-based): chr2:219,634,461, C>T. VCF-style: chr2-219634461-C-T. GRCh37 (hg19) VCF-style: chr2-220499183-C-T.
Other names: c.1684C>T, p.Arg562Cys (NM_001326559.2, NM_201574.3); short protein forms R535C, R562C.
Identifiers: ClinVar variation 3767887 (VCV003767887.1).